The following is an entry in ClinVar:

NM_002528.7(NTHL1):c.872C>A (p.Ala291Asp)

Gene: NTHL1 (nth like DNA glycosylase 1; minus strand). Cytogenetic location: 16p13.3.
Variant type: single nucleotide variant.
Coding change: c.872C>A on transcript NM_002528.7 (MANE Select); coding-DNA position 872, C replaced by A.
Protein change: p.Ala291Asp; replaces alanine 291 with aspartic acid.
Molecular consequence: missense variant.
Genome position (GRCh38, 1-based): chr16:2,039,967, G>T on the plus strand (C>A on the coding strand, the complement: NTHL1 is on the minus strand). VCF-style: chr16-2039967-G-T. GRCh37 (hg19) VCF-style: chr16-2089968-G-T.
Other names: c.701C>A, p.Ala234Asp (NM_001318193.2); c.542C>A, p.Ala181Asp (NM_001318194.2); short protein forms A291D, A234D, A181D.
Identifiers: ClinVar variation 1502669 (VCV001502669.6), dbSNP rs2150937803, ClinGen allele CA394287144.

ClinVar aggregate classification (germline): Uncertain significance (1 of 4 stars; one submission).

Submission:

Labcorp Genetics (formerly Invitae), Labcorp
Classification: Uncertain significance. Last evaluated: 2020-11-23. Review status: criteria provided, single submitter. Criteria: Invitae Variant Classification Sherloc (09022015). Collection method: clinical testing. Allele origin: germline.
Comment: In summary, the available evidence is currently insufficient to determine the role of this variant in disease. Therefore, it has been classified as a Variant of Uncertain Significance. Algorithms developed to predict the effect of missense changes on protein structure and function output the following: SIFT: "Not Available"; PolyPhen-2: "Benign"; Align-GVGD: "Not Available". The aspartic acid amino acid residue is found in multiple mammalian species, suggesting that this missense change does not adversely affect protein function. These predictions have not been confirmed by published functional studies and their clinical significance is uncertain. This variant has not been reported in the literature in individuals with NTHL1-related conditions. This variant is not present in population databases (ExAC no frequency). This sequence change replaces alanine with aspartic acid at codon 299 of the NTHL1 protein (p.Ala299Asp). The alanine residue is weakly conserved and there is a moderate physicochemical difference between alanine and aspartic acid.